The following is an entry in ClinVar:

NM_001372.4(DNAH9):c.1518+4G>A

Gene: DNAH9 (dynein axonemal heavy chain 9; plus strand). Cytogenetic location: 17p12.
Variant type: single nucleotide variant.
Coding change: c.1518+4G>A on transcript NM_001372.4 (MANE Select); 4 bases into the intron after coding-DNA position 1518, G replaced by A.
Molecular consequence: intron variant.
Genome position (GRCh38, 1-based): chr17:11,629,588, G>A. VCF-style: chr17-11629588-G-A. GRCh37 (hg19) VCF-style: chr17-11532905-G-A.
Identifiers: ClinVar variation 2048216 (VCV002048216.1), dbSNP rs778802993, ClinGen allele CA8394865.

ClinVar aggregate classification (germline): Uncertain significance (1 of 4 stars; one submission).

Allele frequency attached by ClinVar (database versions not stated): gnomAD 0.00007.
gnomAD v4.1: 68 of 1,611,356 alleles (0.0042%); highest among the groups gnomAD compares: Admixed American, 0.11%; no homozygotes.

Submission:

Labcorp Genetics (formerly Invitae), Labcorp
Classification: Uncertain significance. Last evaluated: 2022-06-15. Review status: criteria provided, single submitter. Criteria: Invitae Variant Classification Sherloc (09022015). Collection method: clinical testing. Allele origin: germline.
Comment: This sequence change falls in intron 7 of the DNAH9 gene. It does not directly change the encoded amino acid sequence of the DNAH9 protein. It affects a nucleotide within the consensus splice site. This variant is present in population databases (rs778802993, gnomAD 0.1%). This variant has not been reported in the literature in individuals affected with DNAH9-related conditions. Variants that disrupt the consensus splice site are a relatively common cause of aberrant splicing (PMID: 17576681, 9536098). Algorithms developed to predict the effect of sequence changes on RNA splicing suggest that this variant may disrupt the consensus splice site. In summary, the available evidence is currently insufficient to determine the role of this variant in disease. Therefore, it has been classified as a Variant of Uncertain Significance.

Literature cited by the submitters: PubMed 17576681; PubMed 9536098.